The following is an entry in ClinVar:

ClinVar aggregate classification (germline): Conflicting classifications of pathogenicity. Review status: criteria provided, conflicting classifications (1 of 4 stars). 4 submissions from 4 submitters: Pathogenic (1); Likely pathogenic (2); Uncertain significance (1). Last evaluated 2026-07-28.

Conditions:
Malignant hyperthermia, susceptibility to, 1 (MHS1). Also called: Malignant hyperthermia suceptibility 1; RYR1-Related Malignant Hyperthermia Susceptibility; Anesthesia related hyperthermia; Malignant hyperpyrexia; Fulminating hyperpyrexia; Pharmacogenic myopathy. Identifiers: Orphanet 423, MedGen C2930980, MONDO:0007783, OMIM 145600.
RYR1-related disorder. Also called: RYR1-related disorders; RYR1-related condition. Identifiers: MedGen CN239331.

Submissions (4):

GeneDx
Classification: Likely pathogenic. Last evaluated: 2026-07-28. Review status: criteria provided, single submitter. Criteria: GeneDx Variant Classification Process June 2021. Collection method: clinical testing. Allele origin: germline.
Comment: Not observed at significant frequency in large population cohorts (gnomAD); Frameshift variant predicted to result in abnormal protein length as the last 59 amino acid(s) are replaced with 20 different amino acid(s), and other similar variants have been reported in HGMD; This variant is associated with the following publications: (PMID: 33458582, 20681998, 33767344, 39096151)

Color Diagnostics, LLC DBA Color Health
Classification: Uncertain significance for Malignant hyperthermia, susceptibility to, 1. Last evaluated: 2025-05-29. Review status: criteria provided, single submitter. Criteria: ACMG Guidelines, 2015. Collection method: clinical testing. Allele origin: germline.
Comment: This variant deletes 2 nucleotides in exon 104 of the RYR1 gene, creating a frameshift and premature translation stop signal. This variant is expected to result in an absent or non-functional protein product. To our knowledge, this variant has not been reported in individuals affected with malignant hyperthermia susceptibility in the literature. This variant has been identified in 1/251358 chromosomes in the general population by the Genome Aggregation Database (gnomAD). Loss of RYR1 function due to truncation variants is not an established disease mechanism for autosomal dominant malignant hyperthermia, although it is associated with other phenotype(s) (ClinVar variation ID: 1504120). Due to insufficient evidence, this variant is classified as a Variant of Uncertain Significance for autosomal dominant malignant hyperthermia.

Labcorp Genetics (formerly Invitae), Labcorp
Classification: Pathogenic for RYR1-related disorder. Last evaluated: 2024-04-22. Review status: criteria provided, single submitter. Criteria: Invitae Variant Classification Sherloc (09022015). Collection method: clinical testing. Allele origin: germline.
Comment: This sequence change creates a premature translational stop signal (p.Thr4980Alafs*21) in the RYR1 gene. While this is not anticipated to result in nonsense mediated decay, it is expected to disrupt the last 59 amino acid(s) of the RYR1 protein. This variant is present in population databases (no rsID available, gnomAD 0.003%). This premature translational stop signal has been observed in individual(s) with central core disease (PMID: 33458582). ClinVar contains an entry for this variant (Variation ID: 1504120). This variant disrupts a region of the RYR1 protein in which other variant(s) (p.Thr4980Met) have been determined to be pathogenic (PMID: 21911697, 23394784, 30611313). This suggests that this is a clinically significant region of the protein, and that variants that disrupt it are likely to be disease-causing. For these reasons, this variant has been classified as Pathogenic.

PreventionGenetics, part of Exact Sciences
Classification: Likely pathogenic for RYR1-related condition. Last evaluated: 2023-08-18. Review status: criteria provided, single submitter. Criteria: ACMG Guidelines, 2015. Collection method: clinical testing. Allele origin: germline.
Comment: The RYR1 c.14938_14939delAC variant is predicted to result in a frameshift and premature protein termination (p.Thr4980Alafs*21). This variant along with a second variant in RYR1was reported in one individual affected with central core myopathy (Leão. 2020. PubMed ID: 33458582). This variant is reported in 0.0029% of alleles in individuals of Latino descent in gnomAD. Frameshift variants in RYR1 are expected to be pathogenic. This variant is interpreted as likely pathogenic.

Literature cited by the submitters: PubMed 33458582 (cited by Labcorp Genetics (formerly Invitae), Labcorp); PubMed 21911697 (cited by Labcorp Genetics (formerly Invitae), Labcorp); PubMed 23394784 (cited by Labcorp Genetics (formerly Invitae), Labcorp); PubMed 30611313 (cited by Labcorp Genetics (formerly Invitae), Labcorp).

NM_000540.3(RYR1):c.14938_14939del (p.Thr4980fs)

Gene: RYR1 (ryanodine receptor 1; plus strand). Cytogenetic location: 19q13.2.
Variant type: Microsatellite.
Coding change: c.14938_14939del on transcript NM_000540.3 (MANE Select); coding-DNA positions 14938 to 14939, 2 bases deleted (AC; older notation c.14938_14939delAC).
Protein change: p.Thr4980fs; shifts the reading frame from threonine 4980.
Molecular consequence: frameshift variant.
Genome position (GRCh38, 1-based): chr19:38,586,160-38,586,161, AC deleted; deleting any 2 consecutive bases within chr19:38,586,157-38,586,161 gives the same sequence; the c. name uses the placement nearest the transcript's 3' end. VCF-style (leftmost placement, unchanged base first): chr19-38586156-TCA-T. GRCh37 (hg19) VCF-style: chr19-39076796-TCA-T.
Other names: c.14938_14939del (NM_000540.2); c.14923_14924del, p.Thr4975fs (NM_001042723.2); c.14938_14939delAC (NM_000540.2); short protein forms T4975fs, T4980fs.
Identifiers: ClinVar variation 1504120 (VCV001504120.11), dbSNP rs1568613455, ClinGen allele CA632878118.